The following is an entry in ClinVar:

NM_000199.5(SGSH):c.541C>T (p.His181Tyr)

Gene: SGSH (N-sulfoglucosamine sulfohydrolase; minus strand). Cytogenetic location: 17q25.3.
Variant type: single nucleotide variant.
Coding change: c.541C>T on transcript NM_000199.5 (MANE Select); coding-DNA position 541, C replaced by T.
Protein change: p.His181Tyr; replaces histidine 181 with tyrosine.
Molecular consequence: missense variant. On other transcripts: non-coding transcript variant (1).
Genome position (GRCh38, 1-based): chr17:80,214,294, G>A on the plus strand (C>T on the coding strand, the complement: SGSH is on the minus strand). VCF-style: chr17-80214294-G-A. GRCh37 (hg19) VCF-style: chr17-78188093-G-A.
Other names: c.541C>T, p.His181Tyr (NM_001352921.3, NM_001352922.2); short protein forms H181Y.
Identifiers: ClinVar variation 4797463 (VCV004797463.1).

ClinVar aggregate classification (germline): Likely pathogenic (1 of 4 stars; one submission).

Conditions:
Mucopolysaccharidosis, MPS-III-A (MPS3A). Also called: Mucopolysaccharidosis, type IIIA; mucopolysaccharidosis type 3A; MPS IIIA (Sanfilippo Syndrome Type A); HEPARAN SULFATE SULFATASE DEFICIENCY; SANFILIPPO SYNDROME A; SULFAMIDASE DEFICIENCY. Identifiers: Orphanet 581, Orphanet 79269, MedGen C0086647, MONDO:0009655, OMIM 252900.

gnomAD v4.1: 2 of 1,613,190 alleles (0.00012%); highest among the groups gnomAD compares: Non-Finnish European, 0.00017%; no homozygotes.

Submission:

Labcorp Genetics (formerly Invitae), Labcorp
Classification: Likely pathogenic for Mucopolysaccharidosis, MPS-III-A. Last evaluated: 2025-12-01. Review status: criteria provided, single submitter. Criteria: Invitae Variant Classification Sherloc (09022015). Collection method: clinical testing. Allele origin: germline.
Comment: This sequence change replaces histidine, which is basic and polar, with tyrosine, which is neutral and polar, at codon 181 of the SGSH protein (p.His181Tyr). This variant is not present in population databases (gnomAD no frequency). This variant has not been reported in the literature in individuals affected with SGSH-related conditions. Invitae Evidence Modeling of protein sequence and biophysical properties (such as structural, functional, and spatial information, amino acid conservation, physicochemical variation, residue mobility, and thermodynamic stability) indicates that this missense variant is expected to disrupt SGSH protein function with a positive predictive value of 95%. This variant disrupts the p.His181 amino acid residue in SGSH. Other variant(s) that disrupt this residue have been determined to be pathogenic (PMID: 30809705; internal data). This suggests that this residue is clinically significant, and that variants that disrupt this residue are likely to be disease-causing. In summary, the currently available evidence indicates that the variant is pathogenic, but additional data are needed to prove that conclusively. Therefore, this variant has been classified as Likely Pathogenic.

Literature cited by the submitters: PubMed 30809705.